The following is an entry in ClinVar:

ClinVar aggregate classification (germline): Benign. Review status: criteria provided, single submitter (1 of 4 stars). 2 submissions from 2 submitters: Benign (1). 1 of the submissions does not count toward it. Last evaluated 2026-01-26.

Conditions:
ANKZF1-related disorder. Also called: ANKZF1-related condition.

Submissions (2):

Labcorp Genetics (formerly Invitae), Labcorp
Classification: Benign. Last evaluated: 2026-01-26. Review status: criteria provided, single submitter. Criteria: Invitae Variant Classification Sherloc (09022015). Collection method: clinical testing. Allele origin: germline.

PreventionGenetics, part of Exact Sciences
Classification: Benign for ANKZF1-related condition. Last evaluated: 2019-09-24. Review status: no assertion criteria provided. Collection method: clinical testing. Allele origin: germline. Not counted in ClinVar's aggregate classification.
Comment: This variant is classified as benign based on ACMG/AMP sequence variant interpretation guidelines (Richards et al. 2015 PMID: 25741868, with internal and published modifications).

NM_018089.3(ANKZF1):c.1906CAGGAG[1] (p.636QE[1])

Gene: ANKZF1 (ankyrin repeat and zinc finger peptidyl tRNA hydrolase 1; plus strand). Cytogenetic location: 2q35.
Variant type: Microsatellite.
Coding change: c.1906CAGGAG[1] on transcript NM_018089.3 (MANE Select); one copy of the 6-base unit CAGGAG starting at c.1906; the reference has two copies in a row; one copy, 6 bases deleted.
Protein change: p.636QE[1].
Molecular consequence: inframe deletion.
Genome position (GRCh38, 1-based): chr2:219,235,816-219,235,821, CAGGAG deleted; deleting any 6 consecutive bases within chr2:219,235,808-219,235,821 gives the same sequence; the position shown is the placement nearest the transcript's 3' end. VCF-style (leftmost placement, unchanged base first): chr2-219235807-CAGCAGG-C. GRCh37 (hg19) VCF-style: chr2-220100529-CAGCAGG-C.
Other names: c.1906CAGGAG[1], p.636QE[1] (NM_001042410.2); c.1276CAGGAG[1], p.426QE[1] (NM_001282792.2); c.1912_1917del6 (NM_018089.2).
Identifiers: ClinVar variation 1168702 (VCV001168702.11), dbSNP rs539149625, ClinGen allele CA2121224.